The following is an entry in ClinVar:

NM_006267.5(RANBP2):c.3134C>T (p.Thr1045Met)

Gene: RANBP2 (RAN binding protein 2; plus strand). Cytogenetic location: 2q13.
Variant type: single nucleotide variant.
Coding change: c.3134C>T on transcript NM_006267.5 (MANE Select); coding-DNA position 3134, C replaced by T.
Protein change: p.Thr1045Met; replaces threonine 1045 with methionine.
Molecular consequence: missense variant.
Genome position (GRCh38, 1-based): chr2:108,763,673, C>T. VCF-style: chr2-108763673-C-T. GRCh37 (hg19) VCF-style: chr2-109380129-C-T.
Other names: short protein forms T1045M.
Identifiers: ClinVar variation 1303677 (VCV001303677.2), dbSNP rs144270067, ClinGen allele CA1822878.

ClinVar aggregate classification (germline): Uncertain significance (1 of 4 stars; one submission).

Allele frequency attached by ClinVar (database versions not stated): ExAC 0.00001; gnomAD 0.00001; TOPMed 0.00001; gnomAD exomes 0.00002; ESP Exome Variant Server 0.00015.
gnomAD v4.1: 37 of 1,613,990 alleles (0.0023%); highest among the groups gnomAD compares: Non-Finnish European, 0.0031%; no homozygotes.

Submission:

GeneDx
Classification: Uncertain significance. Last evaluated: 2020-02-07. Review status: criteria provided, single submitter. Criteria: GeneDx Variant Classification Process June 2021. Collection method: clinical testing. Allele origin: germline. Affected: yes.
Comment: In silico analysis supports that this missense variant has a deleterious effect on protein structure/function; Has not been previously published as pathogenic or benign to our knowledge